The following is an entry in ClinVar:

ClinVar aggregate classification (germline): Uncertain significance (0 of 4 stars; one submission).

Conditions:
FRY-related condition.

Submission:

PreventionGenetics, part of Exact Sciences
Classification: Uncertain significance for FRY-related condition. Last evaluated: 2024-09-20. Review status: no assertion criteria provided. Collection method: clinical testing. Allele origin: germline.
Comment: The FRY c.3116T>A variant is predicted to result in the amino acid substitution p.Leu1039His. To our knowledge, this variant has not been reported in the literature or in a large population database, indicating this variant is rare. At this time, the clinical significance of this variant is uncertain due to the absence of conclusive functional and genetic evidence.

NM_023037.3(FRY):c.3116T>A (p.Leu1039His)

Gene: FRY (FRY microtubule binding protein; plus strand). Cytogenetic location: 13q13.1.
Variant type: single nucleotide variant.
Coding change: c.3116T>A on transcript NM_023037.3 (MANE Select); coding-DNA position 3116, T replaced by A.
Protein change: p.Leu1039His; replaces leucine 1039 with histidine.
Molecular consequence: missense variant.
Genome position (GRCh38, 1-based): chr13:32,184,661, T>A. VCF-style: chr13-32184661-T-A. GRCh37 (hg19) VCF-style: chr13-32758798-T-A.
Other names: c.3116T>A, p.Leu1039His (NM_001411012.1); short protein forms L1039H.
Identifiers: ClinVar variation 3347605 (VCV003347605.1).
Genomic context (GRCh38, chr13:32,184,661, plus strand): 5'-ACAAGAAACGCCGAGAACGGCGAGACTTGTTAAGGCTACAACTACTTCGAATTTTTGAAC[T>A]TTTGGCTGATGCTGGTGTAATAAGTGACAGGTAGGATCAGAATTCTACCGAGTTGCTCTC-3'
Protein context (NP_075463.2, residues 1029-1049): LRLQLLRIFE[Leu1039His]LADAGVISDS